The following is an entry in ClinVar:

NM_001374736.1(DST):c.23060C>T (p.Pro7687Leu)

Gene: DST (dystonin; minus strand). Cytogenetic location: 6p12.1.
Variant type: single nucleotide variant.
Coding change: c.23060C>T on transcript NM_001374736.1 (MANE Select); coding-DNA position 23060, C replaced by T.
Protein change: p.Pro7687Leu; replaces proline 7687 with leucine.
Molecular consequence: missense variant. On other transcripts: intron variant (2).
Genome position (GRCh38, 1-based): chr6:56,463,056, G>A on the plus strand (C>T on the coding strand, the complement: DST is on the minus strand). VCF-style: chr6-56463056-G-A. GRCh37 (hg19) VCF-style: chr6-56327854-G-A.
Other names: c.16631C>T, p.Pro5544Leu (NM_001144769.5); c.16217C>T, p.Pro5406Leu (NM_001144770.2); c.22988C>T, p.Pro7663Leu (NM_001374722.1); c.23015C>T, p.Pro7672Leu (NM_001374734.1); c.16079C>T, p.Pro5360Leu (NM_001386100.1); c.15119C>T, p.Pro5040Leu (NM_015548.5); c.16097C>T, p.Pro5366Leu (NM_183380.4); c.15741+509C>T (NM_001374730.1); and 1 more; short protein forms P5366L, P5406L, P7663L, P7687L, P5040L, P7672L, P5360L, P5544L.
Identifiers: ClinVar variation 1777522 (VCV001777522.2), dbSNP rs2533268467, ClinGen allele CA364504487.

ClinVar aggregate classification (germline): Uncertain significance (1 of 4 stars; one submission).

Conditions:
Inborn genetic diseases. Identifiers: MedGen C0950123, MeSH D030342.

Allele frequency attached by ClinVar (database versions not stated): gnomAD exomes below 0.00001.

Submission:

Ambry Genetics
Classification: Uncertain significance for Inborn genetic diseases. Last evaluated: 2020-11-10. Review status: criteria provided, single submitter. Criteria: Ambry Variant Classification Scheme 2023. Collection method: clinical testing. Allele origin: germline.
Comment: The p.P5544L variant (also known as c.16631C>T), located in coding exon 95 of the DST gene, results from a C to T substitution at nucleotide position 16631. The proline at codon 5544 is replaced by leucine, an amino acid with similar properties. This amino acid position is poorly conserved in available vertebrate species. In addition, this alteration is predicted to be tolerated by in silico analysis. Since supporting evidence is limited at this time, the clinical significance of this alteration remains unclear.